The following is an entry in ClinVar:

NM_001849.4(COL6A2):c.1116G>A (p.Lys372=)

Gene: COL6A2 (collagen type VI alpha 2 chain; plus strand). Cytogenetic location: 21q22.3.
Variant type: single nucleotide variant.
Coding change: c.1116G>A on transcript NM_001849.4 (MANE Select); coding-DNA position 1116, G replaced by A.
Protein change: p.Lys372=; no amino-acid change (lysine 372 retained).
Molecular consequence: synonymous variant.
Genome position (GRCh38, 1-based): chr21:46,117,936, G>A. VCF-style: chr21-46117936-G-A. GRCh37 (hg19) VCF-style: chr21-47537850-G-A.
Other names: c.1116G>A, p.Lys372= (NM_058174.3, NM_058175.3).
Identifiers: ClinVar variation 850470 (VCV000850470.8), dbSNP rs762160379, ClinGen allele CA10071690.

ClinVar aggregate classification (germline): Uncertain significance (1 of 4 stars; one submission).

Conditions:
Bethlem myopathy 1A. Also called: MYOPATHY, BENIGN CONGENITAL, WITH CONTRACTURES; Bethlem myopathy 1; Bethlem Muscular Dystrophy. Identifiers: Orphanet 610, MedGen CN029274, MONDO:0024530, OMIM 158810.

Allele frequency attached by ClinVar (database versions not stated): gnomAD exomes 0.00001; ExAC 0.00002.

Submission:

Labcorp Genetics (formerly Invitae), Labcorp
Classification: Uncertain significance for Bethlem myopathy 1A. Last evaluated: 2022-03-09. Review status: criteria provided, single submitter. Criteria: Invitae Variant Classification Sherloc (09022015). Collection method: clinical testing. Allele origin: germline.
Comment: In summary, the available evidence is currently insufficient to determine the role of this variant in disease. Therefore, it has been classified as a Variant of Uncertain Significance. Variants that disrupt the consensus splice site are a relatively common cause of aberrant splicing (PMID: 17576681, 9536098). Algorithms developed to predict the effect of sequence changes on RNA splicing suggest that this variant is not likely to affect RNA splicing. ClinVar contains an entry for this variant (Variation ID: 850470). This variant has not been reported in the literature in individuals affected with COL6A2-related conditions. This variant is present in population databases (rs762160379, gnomAD 0.01%). This sequence change affects codon 372 of the COL6A2 mRNA. It is a 'silent' change, meaning that it does not change the encoded amino acid sequence of the COL6A2 protein. This variant also falls at the last nucleotide of exon 12, which is part of the consensus splice site for this exon.

Literature cited by the submitters: PubMed 17576681; PubMed 9536098.